The following is an entry in ClinVar:

NM_001103.4(ACTN2):c.1974+4A>G

Gene: ACTN2 (actinin alpha 2; plus strand). Cytogenetic location: 1q43.
Variant type: single nucleotide variant.
Coding change: c.1974+4A>G on transcript NM_001103.4 (MANE Select); 4 bases into the intron after coding-DNA position 1974, A replaced by G.
Molecular consequence: intron variant.
Genome position (GRCh38, 1-based): chr1:236,754,085, A>G. VCF-style: chr1-236754085-A-G. GRCh37 (hg19) VCF-style: chr1-236917385-A-G.
Other names: c.1350+4A>G (NM_001278344.2); c.1974+4A>G (NM_001278343.2).
Identifiers: ClinVar variation 1915686 (VCV001915686.7), dbSNP rs1037056713, ClinGen allele CA39740822.

ClinVar aggregate classification (germline): Uncertain significance. Review status: criteria provided, multiple submitters, no conflicts (2 of 4 stars). 2 submissions from 2 submitters: Uncertain significance (2). Last evaluated 2026-03-10.

Conditions:
Dilated cardiomyopathy 1AA (CMD1AA). Also called: Cardiomyopathy, dilated, 1AA, with or without LVNC; CARDIOMYOPATHY, DILATED, 1AA, WITH OR WITHOUT LEFT VENTRICULAR NONCOMPACTION; CARDIOMYOPATHY, FAMILIAL HYPERTROPHIC, 23, WITH OR WITHOUT LEFT VENTRICULAR NONCOMPACTION. Identifiers: Orphanet 154, MedGen C2677338, MONDO:0012808, OMIM 612158.
Primary familial hypertrophic cardiomyopathy (HCM). Identifiers: Orphanet 99739, MedGen C0949658, MeSH D024741, MONDO:0024573. Inheritance: Various modes of inheritance.

Submissions (2):

Dasa
Classification: Uncertain significance. Last evaluated: 2026-03-10. Review status: criteria provided, single submitter. Criteria: DASA Assertion Criteria. Collection method: clinical testing. Allele origin: germline.
Comment: NM_001103.4(ACTN2):c.1974+4A>G is a splice-region variant. This variant is absent from population databases. Computational prediction algorithms are consistent with a deleterious effect. The currently available literature and clinical evidence are not sufficient to establish a definitive association between this variant and the reported condition. Therefore, this variant is classified as a variant of uncertain significance.

Labcorp Genetics (formerly Invitae), Labcorp
Classification: Uncertain significance for Primary familial hypertrophic cardiomyopathy; Dilated cardiomyopathy 1AA. Last evaluated: 2025-09-25. Review status: criteria provided, single submitter. Criteria: Invitae Variant Classification Sherloc (09022015). Collection method: clinical testing. Allele origin: germline.
Comment: This sequence change falls in intron 16 of the ACTN2 gene. It does not directly change the encoded amino acid sequence of the ACTN2 protein. It affects a nucleotide within the consensus splice site. This variant is not present in population databases (gnomAD no frequency). This variant has not been reported in the literature in individuals affected with ACTN2-related conditions. ClinVar contains an entry for this variant (Variation ID: 1915686). Variants that disrupt the consensus splice site are a relatively common cause of aberrant splicing (PMID: 17576681, 9536098). Algorithms developed to predict the effect of sequence changes on RNA splicing suggest that this variant is not likely to affect RNA splicing. In summary, the available evidence is currently insufficient to determine the role of this variant in disease. Therefore, it has been classified as a Variant of Uncertain Significance.

Literature cited by the submitters: PubMed 17576681 (cited by Labcorp Genetics (formerly Invitae), Labcorp); PubMed 9536098 (cited by Labcorp Genetics (formerly Invitae), Labcorp).